The following is an entry in ClinVar:

NM_001376.5(DYNC1H1):c.3121A>G (p.Met1041Val)

Gene: DYNC1H1 (dynein cytoplasmic 1 heavy chain 1; plus strand). Cytogenetic location: 14q32.31.
Variant type: single nucleotide variant.
Coding change: c.3121A>G on transcript NM_001376.5 (MANE Select); coding-DNA position 3121, A replaced by G.
Protein change: p.Met1041Val; replaces methionine 1041 with valine.
Molecular consequence: missense variant.
Genome position (GRCh38, 1-based): chr14:101,994,289, A>G. VCF-style: chr14-101994289-A-G. GRCh37 (hg19) VCF-style: chr14-102460626-A-G.
Other names: short protein forms M1041V.
Identifiers: ClinVar variation 245996 (VCV000245996.2), dbSNP rs867890249, ClinGen allele CA10584458.
Genomic context (GRCh38, chr14:101,994,289, plus strand): 5'-AATGCTTTAACACGGATGCCTGATGGCCCTGTTGCCCTGGAAGAGTCGTATTCTGCTGTC[A>G]TGGGCATTGTATCTGAAGTTGAACAGTATGTCAAGGTAAGAAACTCCTAATTTCATTCAA-3'
Protein context (NP_001367.2, residues 1031-1051): VALEESYSAV[Met1041Val]GIVSEVEQYV

ClinVar aggregate classification (germline): Uncertain significance (1 of 4 stars; one submission).

Submission:

GeneDx
Classification: Uncertain significance. Last evaluated: 2016-11-23. Review status: criteria provided, single submitter. Criteria: GeneDx Variant Classification (06012015). Collection method: clinical testing. Allele origin: germline. Affected: yes.
Comment: The M1041V variant in the DYNC1H1 gene has not been reported previously as a pathogenic variant, nor as a benign variant, to our knowledge. The M1041V variant was not observed in approximately 6,500 individuals of European and African American ancestry in the NHLBI Exome Sequencing Project, indicating it is not a common benign variant in these populations. The M1041V variant is a conservative amino acid substitution, which is not likely to impact secondary protein structure as these residues share similar properties. This substitution occurs at a position that is conserved in mammals. In silico analysis is inconsistent in its predictions as to whether or not the variant is damaging to the protein structure/function. We interpret M1041V as a variant of uncertain significance.